The following is an entry in ClinVar:

ClinVar aggregate classification (germline): Benign/Likely benign. Review status: criteria provided, multiple submitters, no conflicts (2 of 4 stars). 3 submissions from 3 submitters: Benign (1); Likely benign (2). Last evaluated 2025-05-12.

Conditions:
KIF11-related disorder. Also called: KIF11-related condition.

Allele frequency attached by ClinVar (database versions not stated): gnomAD 0.00001 and 0.00003; TOPMed 0.00004; gnomAD exomes 0.00024; 1000 Genomes Project 30x 0.00031; ExAC 0.00031; 1000 Genomes Project 0.00040.
gnomAD v4.1: 128 of 1,603,984 alleles (0.008%); highest among the groups gnomAD compares: South Asian, 0.11%; 3 homozygotes.

Submissions (3):

PreventionGenetics, part of Exact Sciences
Classification: Likely benign for KIF11-related condition. Last evaluated: 2025-05-12. Review status: criteria provided, single submitter. Criteria: ACMG Guidelines, 2015. Collection method: clinical testing. Allele origin: germline.
Comment: This variant is classified as likely benign based on ACMG/AMP sequence variant interpretation guidelines (Richards et al. 2015 PMID: 25741868, with internal and published modifications).

Labcorp Genetics (formerly Invitae), Labcorp
Classification: Benign. Last evaluated: 2025-03-17. Review status: criteria provided, single submitter. Criteria: Invitae Variant Classification Sherloc (09022015). Collection method: clinical testing. Allele origin: germline.

Blueprint Genetics
Classification: Likely benign. Last evaluated: 2024-01-25. Review status: criteria provided, single submitter. Criteria: ACMG Guidelines, 2015. Collection method: clinical testing. Allele origin: germline.

NM_004523.4(KIF11):c.2921C>T (p.Pro974Leu)

Gene: KIF11 (kinesin family member 11; plus strand). Cytogenetic location: 10q23.33.
Variant type: single nucleotide variant.
Coding change: c.2921C>T on transcript NM_004523.4 (MANE Select); coding-DNA position 2921, C replaced by T.
Protein change: p.Pro974Leu; replaces proline 974 with leucine.
Molecular consequence: missense variant.
Genome position (GRCh38, 1-based): chr10:92,649,985, C>T. VCF-style: chr10-92649985-C-T. GRCh37 (hg19) VCF-style: chr10-94409742-C-T.
Other names: c.2921C>T (NM_004523.3); short protein forms P974L.
Identifiers: ClinVar variation 1644776 (VCV001644776.10), dbSNP rs553604355, ClinGen allele CA5604493.